The following is an entry in ClinVar:

ClinVar aggregate classification (germline): Uncertain significance (1 of 4 stars; one submission).

gnomAD v4.1: 3 of 1,548,118 alleles (0.00019%); highest among the groups gnomAD compares: African/African-American, 0.0014%; no homozygotes.

Submission:

Labcorp Genetics (formerly Invitae), Labcorp
Classification: Uncertain significance. Last evaluated: 2024-11-04. Review status: criteria provided, single submitter. Criteria: Invitae Variant Classification Sherloc (09022015). Collection method: clinical testing. Allele origin: germline.
Comment: This sequence change replaces glutamic acid, which is acidic and polar, with aspartic acid, which is acidic and polar, at codon 533 of the BCL11B protein (p.Glu533Asp). The frequency data for this variant in the population databases is considered unreliable, as metrics indicate poor data quality at this position in the gnomAD database. This variant has not been reported in the literature in individuals affected with BCL11B-related conditions. ClinVar contains an entry for this variant (Variation ID: 2807659). Invitae Evidence Modeling of protein sequence and biophysical properties (such as structural, functional, and spatial information, amino acid conservation, physicochemical variation, residue mobility, and thermodynamic stability) indicates that this missense variant is not expected to disrupt BCL11B protein function with a negative predictive value of 95%. In summary, the available evidence is currently insufficient to determine the role of this variant in disease. Therefore, it has been classified as a Variant of Uncertain Significance.

NM_138576.4(BCL11B):c.1599G>C (p.Glu533Asp)

Gene: BCL11B (BCL11 transcription factor B; minus strand). Cytogenetic location: 14q32.2.
Variant type: single nucleotide variant.
Coding change: c.1599G>C on transcript NM_138576.4 (MANE Select); coding-DNA position 1599, G replaced by C.
Protein change: p.Glu533Asp; replaces glutamic acid 533 with aspartic acid.
Molecular consequence: missense variant.
Genome position (GRCh38, 1-based): chr14:99,175,237, C>G on the plus strand (G>C on the coding strand, the complement: BCL11B is on the minus strand). VCF-style: chr14-99175237-C-G. GRCh37 (hg19) VCF-style: chr14-99641574-C-G.
Other names: c.1596G>C, p.Glu532Asp (NM_001282237.2); c.1383G>C, p.Glu461Asp (NM_001282238.2); c.1386G>C, p.Glu462Asp (NM_022898.3); short protein forms E461D, E532D, E462D, E533D.
Identifiers: ClinVar variation 2807659 (VCV002807659.3), dbSNP rs753227225, ClinGen allele CA390935023.